The following is an entry in ClinVar:

ClinVar aggregate classification (germline): Uncertain significance. Review status: criteria provided, multiple submitters, no conflicts (2 of 4 stars). 3 submissions from 3 submitters: Uncertain significance (3). Last evaluated 2024-09-18.

Conditions:
Retinal dystrophy. Also called: Inherited retinal dystrophy. Identifiers: Orphanet 71862, MedGen C0854723, MeSH D058499, MONDO:0019118, HP:0000556.

Allele frequency attached by ClinVar (database versions not stated): gnomAD 0.00001; TOPMed 0.00001; gnomAD exomes 0.00002 and 0.00003; ExAC 0.00006.

Submissions (3):

Blueprint Genetics
Classification: Uncertain significance. Last evaluated: 2024-09-18. Review status: criteria provided, single submitter. Criteria: ACMG Guidelines, 2015. Collection method: clinical testing. Allele origin: germline.

Dept Of Ophthalmology, Nagoya University
Classification: Uncertain significance for Retinal dystrophy. Last evaluated: 2023-10-01. Review status: criteria provided, single submitter. Criteria: Submitter's publication. Collection method: research. Allele origin: germline. Affected: yes.

Labcorp Genetics (formerly Invitae), Labcorp
Classification: Uncertain significance. Last evaluated: 2021-08-14. Review status: criteria provided, single submitter. Criteria: Invitae Variant Classification Sherloc (09022015). Collection method: clinical testing. Allele origin: germline.
Comment: This sequence change replaces alanine with valine at codon 1048 of the CNGB1 protein (p.Ala1048Val). The alanine residue is highly conserved and there is a small physicochemical difference between alanine and valine. This variant is present in population databases (rs755959274, ExAC 0.009%). This variant has not been reported in the literature in individuals affected with CNGB1-related conditions. Advanced modeling of protein sequence and biophysical properties (such as structural, functional, and spatial information, amino acid conservation, physicochemical variation, residue mobility, and thermodynamic stability) performed at Invitae indicates that this missense variant is expected to disrupt CNGB1 protein function. In summary, the available evidence is currently insufficient to determine the role of this variant in disease. Therefore, it has been classified as a Variant of Uncertain Significance.

NM_001297.5(CNGB1):c.3143C>T (p.Ala1048Val)

Gene: CNGB1 (cyclic nucleotide gated channel subunit beta 1; minus strand). Cytogenetic location: 16q21.
Variant type: single nucleotide variant.
Coding change: c.3143C>T on transcript NM_001297.5 (MANE Select); coding-DNA position 3143, C replaced by T.
Protein change: p.Ala1048Val; replaces alanine 1048 with valine.
Molecular consequence: missense variant.
Genome position (GRCh38, 1-based): chr16:57,897,496, G>A on the plus strand (C>T on the coding strand, the complement: CNGB1 is on the minus strand). VCF-style: chr16-57897496-G-A. GRCh37 (hg19) VCF-style: chr16-57931400-G-A.
Other names: c.3125C>T, p.Ala1042Val (NM_001286130.2); short protein forms A1042V, A1048V.
Identifiers: ClinVar variation 1472437 (VCV001472437.5), dbSNP rs755959274, ClinGen allele CA8082659.